The following is an entry in ClinVar:

ClinVar aggregate classification (germline): Uncertain significance (1 of 4 stars; one submission).

Submission:

GeneDx
Classification: Uncertain significance. Last evaluated: 2025-06-24. Review status: criteria provided, single submitter. Criteria: GeneDx Variant Classification Process June 2021. Collection method: clinical testing. Allele origin: germline. Affected: yes.
Comment: Not observed at significant frequency in large population cohorts (gnomAD); In silico analysis supports that this missense variant has a deleterious effect on protein structure/function; Has not been previously published as pathogenic or benign to our knowledge

NM_006445.4(PRPF8):c.622T>C (p.Tyr208His)

Gene: PRPF8 (pre-mRNA processing factor 8; minus strand). Cytogenetic location: 17p13.3.
Variant type: single nucleotide variant.
Coding change: c.622T>C on transcript NM_006445.4 (MANE Select); coding-DNA position 622, T replaced by C.
Protein change: p.Tyr208His; replaces tyrosine 208 with histidine.
Molecular consequence: missense variant.
Genome position (GRCh38, 1-based): chr17:1,681,851, A>G on the plus strand (T>C on the coding strand, the complement: PRPF8 is on the minus strand). VCF-style: chr17-1681851-A-G. GRCh37 (hg19) VCF-style: chr17-1585145-A-G.
Other names: short protein forms Y208H.
Identifiers: ClinVar variation 4540381 (VCV004540381.1).